The following is an entry in ClinVar:

NM_000135.4(FANCA):c.522+9G>C

Gene: FANCA (FA complementation group A; minus strand). Cytogenetic location: 16q24.3.
Variant type: single nucleotide variant.
Coding change: c.522+9G>C on transcript NM_000135.4 (MANE Select); 9 bases into the intron after coding-DNA position 522, G replaced by C.
Molecular consequence: intron variant.
Genome position (GRCh38, 1-based): chr16:89,810,698, C>G on the plus strand (G>C on the coding strand, the complement: FANCA is on the minus strand). VCF-style: chr16-89810698-C-G. GRCh37 (hg19) VCF-style: chr16-89877106-C-G.
Other names: c.522+9G>C (NM_001286167.3, NM_001018112.3); c.426+231G>C (NM_001351830.2).
Identifiers: ClinVar variation 702843 (VCV000702843.17), dbSNP rs113051956, ClinGen allele CA8252986.
Genomic context (GRCh38, chr16:89,810,698, plus strand): 5'-TGCCTCCATCCAGATCAACAGAACATTGCCTGGAACACTGGAGAGTCAGATTTGCAATCT[C>G]AAATTTACCTGTATTTTCCATAATTCTTGACAGAAGGAAAGACGGGAGAACATACTGTGT-3'

ClinVar aggregate classification (germline): Conflicting classifications of pathogenicity. Review status: criteria provided, conflicting classifications (1 of 4 stars). 4 submissions from 4 submitters: Uncertain significance (1); Likely benign (2). 1 of the submissions does not count toward it. Last evaluated 2026-01-03.

Conditions:
FANCA-related disorder. Also called: FANCA-related condition.
Fanconi anemia (FA). Also called: Fanconi's anemia. Identifiers: Orphanet 84, MedGen C0015625, MeSH D005199, MONDO:0019391.

Allele frequency attached by ClinVar (database versions not stated): gnomAD exomes 0.00001 and 0.00002; ExAC 0.00002; gnomAD 0.00003 and 0.00004; TOPMed 0.00003; 1000 Genomes Project 30x 0.00016; 1000 Genomes Project 0.00020.
gnomAD v4.1: 43 of 1,574,642 alleles (0.0027%); highest among the groups gnomAD compares: Middle Eastern, 0.036%; no homozygotes.

Submissions (4):

Labcorp Genetics (formerly Invitae), Labcorp
Classification: Likely benign for Fanconi anemia. Last evaluated: 2026-01-03. Review status: criteria provided, single submitter. Criteria: Invitae Variant Classification Sherloc (09022015). Collection method: clinical testing. Allele origin: germline.

Blueprint Genetics
Classification: Likely benign. Last evaluated: 2024-08-26. Review status: criteria provided, single submitter. Criteria: ACMG Guidelines, 2015. Collection method: clinical testing. Allele origin: germline.

Genetic Services Laboratory, University of Chicago
Classification: Uncertain significance. Last evaluated: 2020-06-11. Review status: criteria provided, single submitter. Criteria: ACMG Guidelines, 2015. Collection method: clinical testing. Allele origin: germline. Affected: no.
Comment: DNA sequence analysis of the FANCA gene demonstrated a sequence change in intron 5, c.522+9G>C. This change does not appear to have been previously described in patients with FANCA-related disorders and has been described in the gnomAD database in three individuals (dbSNP rs113051956). This sequence change affects a weakly conserved nucleotide and is not clearly predicted to have a deleterious effect on splicing based on in silico splice prediction programs. It is possible that this sequence change represents a benign sequence change in the FANCA gene that has not been identified to date. The functional significance of this sequence change is not known at present and its contribution to this patient's disease phenotype cannot definitively be determined.

PreventionGenetics, part of Exact Sciences
Classification: Likely benign for FANCA-related condition. Last evaluated: 2019-07-01. Review status: no assertion criteria provided. Collection method: clinical testing. Allele origin: germline. Not counted in ClinVar's aggregate classification.
Comment: This variant is classified as likely benign based on ACMG/AMP sequence variant interpretation guidelines (Richards et al. 2015 PMID: 25741868, with internal and published modifications).